The following is an entry in ClinVar:

ClinVar aggregate classification (germline): Conflicting classifications of pathogenicity. Review status: criteria provided, conflicting classifications (1 of 4 stars). 6 submissions from 6 submitters: Uncertain significance (5); Likely benign (1). Last evaluated 2026-01-18.

Conditions:
Hypokalemic periodic paralysis, type 1. Also called: HypoPP; Hypokalemic Periodic Paralysis Type 1 (AD). Identifiers: Orphanet 681, MedGen C3714580, MONDO:0042979, OMIM 170400.
Congenital myopathy 18. Also called: Myopathy, congenital, due to dihydropyridine receptor defect; DIHYDROPYRIDINE RECEPTOR CONGENITAL MYOPATHY; DHPR CONGENITAL MYOPATHY. Identifiers: MedGen C5830283, MONDO:0859514, OMIM 620246.
Malignant hyperthermia, susceptibility to, 5 (MHS5). Also called: CACNA1S-Related Malignant Hyperthermia Susceptibility. Identifiers: Orphanet 423, MedGen C1866077, MONDO:0011163, OMIM 601887.
Thyrotoxic periodic paralysis, susceptibility to, 1 (TTPP1). Identifiers: Orphanet 79102, MedGen C2749982, MONDO:0008570, OMIM 188580.
CACNA1S-related disorder. Also called: CACNA1S-related condition.

Allele frequency attached by ClinVar (database versions not stated): ExAC 0.00004; gnomAD exomes 0.00005; gnomAD 0.00006 and 0.00007; TOPMed 0.00006; ESP Exome Variant Server 0.00015.
gnomAD v4.1: 108 of 1,614,090 alleles (0.0067%); highest among the groups gnomAD compares: African/African-American, 0.011%; 1 homozygote.

Submissions (6):

Labcorp Genetics (formerly Invitae), Labcorp
Classification: Uncertain significance for Hypokalemic periodic paralysis, type 1; Malignant hyperthermia, susceptibility to, 5. Last evaluated: 2026-01-18. Review status: criteria provided, single submitter. Criteria: Invitae Variant Classification Sherloc (09022015). Collection method: clinical testing. Allele origin: germline.
Comment: This sequence change replaces glycine, which is neutral and non-polar, with arginine, which is basic and polar, at codon 629 of the CACNA1S protein (p.Gly629Arg). This variant is present in population databases (rs147888089, gnomAD 0.009%). This variant has not been reported in the literature in individuals affected with CACNA1S-related conditions. ClinVar contains an entry for this variant (Variation ID: 294754). Invitae Evidence Modeling of protein sequence and biophysical properties (such as structural, functional, and spatial information, amino acid conservation, physicochemical variation, residue mobility, and thermodynamic stability) has been performed for this missense variant. However, the output from this modeling did not meet the statistical confidence thresholds required to predict the impact of this variant on CACNA1S protein function. In summary, the available evidence is currently insufficient to determine the role of this variant in disease. Therefore, it has been classified as a Variant of Uncertain Significance.

PreventionGenetics, part of Exact Sciences
Classification: Uncertain significance for CACNA1S-related condition. Last evaluated: 2025-11-14. Review status: criteria provided, single submitter. Criteria: ACMG Guidelines, 2015. Collection method: clinical testing. Allele origin: germline.
Comment: The CACNA1S c.1885G>A variant is predicted to result in the amino acid substitution p.Gly629Arg. To our knowledge, this variant has not been reported in the literature. This variant is reported in 0.0085% of alleles in individuals of Latino descent in gnomAD. At this time, the clinical significance of this variant is uncertain due to the absence of conclusive functional and genetic evidence.

GeneDx
Classification: Uncertain significance. Last evaluated: 2024-07-18. Review status: criteria provided, single submitter. Criteria: GeneDx Variant Classification Process June 2021. Collection method: clinical testing. Allele origin: germline. Affected: yes.
Comment: Has not been previously published as pathogenic or benign to our knowledge; In silico analysis supports that this missense variant has a deleterious effect on protein structure/function

Color Diagnostics, LLC DBA Color Health
Classification: Uncertain significance for Malignant hyperthermia, susceptibility to, 5. Last evaluated: 2024-05-01. Review status: criteria provided, single submitter. Criteria: ACMG Guidelines, 2015. Collection method: clinical testing. Allele origin: germline.
Comment: This missense variant replaces glycine with arginine at codon 629 of the CACNA1S protein. Computational prediction suggests that this variant may have deleterious impact on protein structure and function. To our knowledge, functional studies have not been reported for this variant. This variant has not been reported in individuals affected with CACNA1S-related disorders in the literature. This variant has been identified in 14/282862 chromosomes in the general population by the Genome Aggregation Database (gnomAD). The available evidence is insufficient to determine the role of this variant in disease conclusively. Therefore, this variant is classified as a Variant of Uncertain Significance.

Fulgent Genetics
Classification: Uncertain significance for Hypokalemic periodic paralysis, type 1; Thyrotoxic periodic paralysis, susceptibility to, 1; Malignant hyperthermia, susceptibility to, 5; Congenital myopathy 18. Last evaluated: 2024-01-20. Review status: criteria provided, single submitter. Criteria: ACMG Guidelines, 2015. Collection method: clinical testing. Allele origin: germline.

Illumina Laboratory Services, Illumina
Classification: Likely benign for Hypokalemic periodic paralysis, type 1. Last evaluated: 2018-01-13. Review status: criteria provided, single submitter. Criteria: ICSL Variant Classification Criteria 13 December 2019. Collection method: clinical testing. Allele origin: germline.
Comment: This variant was observed in the ICSL laboratory as part of a predisposition screen in an ostensibly healthy population. It had not been previously curated by ICSL or reported in the Human Gene Mutation Database (HGMD: prior to June 1st, 2018), and was therefore a candidate for classification through an automated scoring system. Utilizing variant allele frequency, disease prevalence and penetrance estimates, and inheritance mode, an automated score was calculated to assess if this variant is too frequent to cause the disease. Based on the score and internal cut-off values, a variant classified as likely benign is not then subjected to further curation. The score for this variant resulted in a classification of likely benign for this disease.

NM_000069.3(CACNA1S):c.1885G>A (p.Gly629Arg)

Gene: CACNA1S (calcium voltage-gated channel subunit alpha1 S; minus strand). Cytogenetic location: 1q32.1.
Variant type: single nucleotide variant.
Coding change: c.1885G>A on transcript NM_000069.3 (MANE Select); coding-DNA position 1885, G replaced by A.
Protein change: p.Gly629Arg; replaces glycine 629 with arginine.
Molecular consequence: missense variant.
Genome position (GRCh38, 1-based): chr1:201,075,558, C>T on the plus strand (G>A on the coding strand, the complement: CACNA1S is on the minus strand). VCF-style: chr1-201075558-C-T. GRCh37 (hg19) VCF-style: chr1-201044686-C-T.
Other names: short protein forms G629R.
Identifiers: ClinVar variation 294754 (VCV000294754.15), dbSNP rs147888089, ClinGen allele CA078649.